The following is an entry in ClinVar:

NM_001308120.2(TOGARAM1):c.4929G>A (p.Ala1643=)

Gene: TOGARAM1 (TOG array regulator of axonemal microtubules 1; plus strand). Cytogenetic location: 14q21.2.
Variant type: single nucleotide variant.
Coding change: c.4929G>A on transcript NM_001308120.2 (MANE Select); coding-DNA position 4929, G replaced by A.
Protein change: p.Ala1643=; no amino-acid change (alanine 1643 retained).
Molecular consequence: synonymous variant. On other transcripts: non-coding transcript variant (1).
Genome position (GRCh38, 1-based): chr14:45,068,603, G>A. VCF-style: chr14-45068603-G-A. GRCh37 (hg19) VCF-style: chr14-45537806-G-A.
Other names: c.4770G>A, p.Ala1590= (NM_015091.4).
Identifiers: ClinVar variation 2644209 (VCV002644209.24), dbSNP rs768473452, ClinGen allele CA7167863.

ClinVar aggregate classification (germline): Likely benign (1 of 4 stars; one submission).

Allele frequency attached by ClinVar (database versions not stated): gnomAD 0.00005; TOPMed 0.00005.
gnomAD v4.1: 70 of 1,611,584 alleles (0.0043%); highest among the groups gnomAD compares: Admixed American, 0.055%; no homozygotes.

Submission:

CeGaT Center for Human Genetics Tuebingen
Classification: Likely benign. Last evaluated: 2023-08-01. Review status: criteria provided, single submitter. Criteria: CeGaT Center For Human Genetics Tuebingen Variant Classification Criteria Version 2. Collection method: clinical testing. Allele origin: germline. Affected: yes. Observed: 1 variant allele.
Comment: TOGARAM1: BP4, BP7